The following is an entry in ClinVar:

ClinVar aggregate classification (germline): Uncertain significance (1 of 4 stars; one submission).

Conditions:
Progressive familial heart block type IB (PFHB1B). Identifiers: Orphanet 871, MedGen C1970298, MONDO:0011474, OMIM 604559.

Submission:

Labcorp Genetics (formerly Invitae), Labcorp
Classification: Uncertain significance for Progressive familial heart block type IB. Last evaluated: 2026-01-19. Review status: criteria provided, single submitter. Criteria: Invitae Variant Classification Sherloc (09022015). Collection method: clinical testing. Allele origin: germline.
Comment: This sequence change replaces isoleucine, which is neutral and non-polar, with threonine, which is neutral and polar, at codon 1165 of the TRPM4 protein (p.Ile1165Thr). This variant is present in population databases (rs764040463, gnomAD 0.0009%). This variant has not been reported in the literature in individuals affected with TRPM4-related conditions. An algorithm developed to predict the effect of missense changes on protein structure and function (PolyPhen-2) suggests that this variant is likely to be tolerated. In summary, the available evidence is currently insufficient to determine the role of this variant in disease. Therefore, it has been classified as a Variant of Uncertain Significance.

NM_017636.4(TRPM4):c.3494T>C (p.Ile1165Thr)

Gene: TRPM4 (transient receptor potential cation channel subfamily M member 4; plus strand). Cytogenetic location: 19q13.33.
Variant type: single nucleotide variant.
Coding change: c.3494T>C on transcript NM_017636.4 (MANE Select); coding-DNA position 3494, T replaced by C.
Protein change: p.Ile1165Thr; replaces isoleucine 1165 with threonine.
Molecular consequence: missense variant.
Genome position (GRCh38, 1-based): chr19:49,211,047, T>C. VCF-style: chr19-49211047-T-C. GRCh37 (hg19) VCF-style: chr19-49714304-T-C.
Other names: c.3059T>C, p.Ile1020Thr (NM_001195227.2); c.3149T>C, p.Ile1050Thr (NM_001321281.2); c.1886T>C, p.Ile629Thr (NM_001321282.2); c.2972T>C, p.Ile991Thr (NM_001321283.2); c.2432T>C, p.Ile811Thr (NM_001321285.2); short protein forms I991T, I811T, I1020T, I1050T, I1165T, I629T.
Identifiers: ClinVar variation 4774455 (VCV004774455.1).